The following is an entry in ClinVar:

NM_000124.4(ERCC6):c.3182_3185delinsGATGTGTATAAGAGACAG (p.Ile1061_Ser1062delinsArgCysValTer)

Gene: ERCC6 (ERCC excision repair 6, chromatin remodeling factor; minus strand). Cytogenetic location: 10q11.23.
Variant type: Indel.
Coding change: c.3182_3185delinsGATGTGTATAAGAGACAG on transcript NM_000124.4 (MANE Select); coding-DNA positions 3182 to 3185, TATC replaced by GATGTGTATAAGAGACAG.
Protein change: p.Ile1061_Ser1062delinsArgCysValTer.
Molecular consequence: nonsense.
Genome position (GRCh38, 1-based): chr10:49,470,775-49,470,778, GATA replaced by CTGTCTCTTATACACATC on the plus strand (TATC replaced by GATGTGTATAAGAGACAG on the coding strand, the reverse complement: ERCC6 is on the minus strand). VCF-style: chr10-49470775-GATA-CTGTCTCTTATACACATC. GRCh37 (hg19) VCF-style: chr10-50678821-GATA-CTGTCTCTTATACACATC.
Other names: c.3182_3185delinsGATGTGTATAAGAGACAG, p.Ile1061_Ser1062delinsArgCysValTer (NM_001346440.2).
Identifiers: ClinVar variation 5011258 (VCV005011258.1).

ClinVar aggregate classification (germline): Pathogenic (1 of 4 stars; one submission).

Conditions:
Cockayne spectrum with or without cerebrooculofacioskeletal syndrome. Identifiers: MedGen CN315928, MONDO:0100506.

Submission:

Myriad Genetics, Inc.
Classification: Pathogenic for Cockayne spectrum with or without cerebrooculofacioskeletal syndrome. Last evaluated: 2023-08-07. Review status: criteria provided, single submitter. Criteria: Myriad Autosomal Dominant, Autosomal Recessive and X-Linked Classification Criteria (2023). Collection method: clinical testing. Allele origin: unknown.
Comment: NM_000124.2(ERCC6):c.3182_3185del4ins18(I1061Rfs*4) is expected to be pathogenic in the context of ERCC6-related disorders. This variant is predicted to lead to an abnormal or absent protein product due to the creation of a premature termination codon in ERCC6, a gene where loss-of-function variants are known to be pathogenic. Please note: this variant was assessed in the context of healthy population screening.